The following is an entry in ClinVar:

NM_007194.4(CHEK2):c.449T>C (p.Val150Ala)

Gene: CHEK2 (checkpoint kinase 2; minus strand). Cytogenetic location: 22q12.1.
Variant type: single nucleotide variant.
Coding change: c.449T>C on transcript NM_007194.4 (MANE Select); coding-DNA position 449, T replaced by C.
Protein change: p.Val150Ala; replaces valine 150 with alanine.
Molecular consequence: missense variant. On other transcripts: 5 prime UTR variant (2), intron variant (1).
Genome position (GRCh38, 1-based): chr22:28,725,120, A>G on the plus strand (T>C on the coding strand, the complement: CHEK2 is on the minus strand). VCF-style: chr22-28725120-A-G. GRCh37 (hg19) VCF-style: chr22-29121108-A-G.
Other names: c.578T>C, p.Val193Ala (NM_001005735.3, NM_001438294.1); c.-329T>C (NM_001257387.3); c.-215T>C (NM_001437942.1); c.542T>C, p.Val181Ala (NM_001438293.1, NM_001438295.1); c.449T>C, p.Val150Ala (NM_145862.3); c.444+123T>C (NM_001349956.3); short protein forms V193A, V150A, V181A.
Identifiers: ClinVar variation 645444 (VCV000645444.8), dbSNP rs587782385, ClinGen allele CA411107755.

ClinVar aggregate classification (germline): Uncertain significance. Review status: criteria provided, multiple submitters, no conflicts (2 of 4 stars). 2 submissions from 2 submitters: Uncertain significance (2). Last evaluated 2023-09-18.

Conditions:
Familial cancer of breast. Also called: hereditary breast carcinoma; Hereditary breast cancer; BREAST CANCER, FAMILIAL. Identifiers: Orphanet 227535, MedGen C0346153, MONDO:0016419, OMIM 114480. Disease mechanism: loss of function.
Hereditary cancer-predisposing syndrome. Also called: Hereditary Cancer Syndrome; Tumor predisposition; Hereditary neoplastic syndrome; Neoplastic Syndromes, Hereditary. Identifiers: Orphanet 140162, MedGen C0027672, MeSH D009386, MONDO:0015356.

Allele frequency attached by ClinVar (database versions not stated): gnomAD exomes below 0.00001; TOPMed below 0.00001.
gnomAD v4.1: 2 of 1,614,078 alleles (0.00012%); highest among the groups gnomAD compares: Non-Finnish European, 0.000085%; no homozygotes.

Submissions (2):

Ambry Genetics
Classification: Uncertain significance for Hereditary cancer-predisposing syndrome. Last evaluated: 2023-09-18. Review status: criteria provided, single submitter. Criteria: Ambry Variant Classification Scheme 2023. Collection method: clinical testing. Allele origin: germline.
Comment: The p.V150A variant (also known as c.449T>C), located in coding exon 3 of the CHEK2 gene, results from a T to C substitution at nucleotide position 449. The valine at codon 150 is replaced by alanine, an amino acid with similar properties. This amino acid position is conserved. In addition, this alteration is predicted to be tolerated by in silico analysis. Since supporting evidence is limited at this time, the clinical significance of this alteration remains unclear.

Labcorp Genetics (formerly Invitae), Labcorp
Classification: Uncertain significance for Familial cancer of breast. Last evaluated: 2021-11-17. Review status: criteria provided, single submitter. Criteria: Invitae Variant Classification Sherloc (09022015). Collection method: clinical testing. Allele origin: germline.
Comment: In summary, the available evidence is currently insufficient to determine the role of this variant in disease. Therefore, it has been classified as a Variant of Uncertain Significance. Algorithms developed to predict the effect of missense changes on protein structure and function (SIFT, PolyPhen-2, Align-GVGD) all suggest that this variant is likely to be tolerated. ClinVar contains an entry for this variant (Variation ID: 645444). This variant has not been reported in the literature in individuals affected with CHEK2-related conditions. This variant is not present in population databases (gnomAD no frequency). This sequence change replaces valine, which is neutral and non-polar, with alanine, which is neutral and non-polar, at codon 150 of the CHEK2 protein (p.Val150Ala).